The following is an entry in ClinVar:

NM_001291867.2(NHS):c.3799T>C (p.Cys1267Arg)

Gene: NHS (NHS actin remodeling regulator; plus strand). Cytogenetic location: Xp22.13.
Variant type: single nucleotide variant.
Coding change: c.3799T>C on transcript NM_001291867.2 (MANE Select); coding-DNA position 3799, T replaced by C.
Protein change: p.Cys1267Arg; replaces cysteine 1267 with arginine.
Molecular consequence: missense variant.
Genome position (GRCh38, 1-based): chrX:17,727,905, T>C. VCF-style: chrX-17727905-T-C. GRCh37 (hg19) VCF-style: chrX-17746025-T-C.
Other names: c.3268T>C, p.Cys1090Arg (NM_001136024.4); c.3205T>C, p.Cys1069Arg (NM_001291868.2); c.3460T>C, p.Cys1154Arg (NM_001440780.1); c.3736T>C, p.Cys1246Arg (NM_198270.4); short protein forms C1069R, C1090R, C1154R, C1246R, C1267R.
Identifiers: ClinVar variation 4281312 (VCV004281312.7).

ClinVar aggregate classification (germline): Likely benign (1 of 4 stars; one submission).

gnomAD v4.1: 7 of 1,210,246 alleles (0.00058%); highest among the groups gnomAD compares: Non-Finnish European, 0.00067%; no homozygotes.

Submission:

CeGaT Center for Human Genetics Tuebingen
Classification: Likely benign. Last evaluated: 2025-09-01. Review status: criteria provided, single submitter. Criteria: CeGaT Center For Human Genetics Tuebingen Variant Classification Criteria Version 2. Collection method: clinical testing. Allele origin: germline. Affected: yes. Observed: 1 variant allele.
Comment: NHS: BP4